The following is an entry in ClinVar:

ClinVar aggregate classification (germline): Uncertain significance (1 of 4 stars; one submission).

Allele frequency attached by ClinVar (database versions not stated): gnomAD exomes below 0.00001.
gnomAD v4.1: 2 of 1,612,534 alleles (0.00012%); highest among the groups gnomAD compares: South Asian, 0.0011%; no homozygotes.

Submission:

Labcorp Genetics (formerly Invitae), Labcorp
Classification: Uncertain significance. Last evaluated: 2021-08-19. Review status: criteria provided, single submitter. Criteria: Invitae Variant Classification Sherloc (09022015). Collection method: clinical testing. Allele origin: germline.
Comment: This sequence change replaces proline with serine at codon 1168 of the PTPN23 protein (p.Pro1168Ser). The proline residue is weakly conserved and there is a moderate physicochemical difference between proline and serine. This variant is not present in population databases (ExAC no frequency). This variant has not been reported in the literature in individuals affected with PTPN23-related conditions. Algorithms developed to predict the effect of missense changes on protein structure and function are either unavailable or do not agree on the potential impact of this missense change (SIFT: "Tolerated"; PolyPhen-2: "Possibly Damaging"; Align-GVGD: "Class C0"). In summary, the available evidence is currently insufficient to determine the role of this variant in disease. Therefore, it has been classified as a Variant of Uncertain Significance.

NM_015466.4(PTPN23):c.3502C>T (p.Pro1168Ser)

Gene: PTPN23 (protein tyrosine phosphatase non-receptor type 23; plus strand). Cytogenetic location: 3p21.31.
Variant type: single nucleotide variant.
Coding change: c.3502C>T on transcript NM_015466.4 (MANE Select); coding-DNA position 3502, C replaced by T.
Protein change: p.Pro1168Ser; replaces proline 1168 with serine.
Molecular consequence: missense variant.
Genome position (GRCh38, 1-based): chr3:47,411,300, C>T. VCF-style: chr3-47411300-C-T. GRCh37 (hg19) VCF-style: chr3-47452790-C-T.
Other names: c.3124C>T, p.Pro1042Ser (NM_001304482.2); short protein forms P1168S, P1042S.
Identifiers: ClinVar variation 1512226 (VCV001512226.4), dbSNP rs2107724994, ClinGen allele CA352562468.